The following is an entry in ClinVar:

ClinVar aggregate classification (germline): Likely benign (1 of 4 stars; one submission).

gnomAD v4.1: 18 of 1,614,114 alleles (0.0011%); highest among the groups gnomAD compares: Admixed American, 0.0083%; no homozygotes.

Submission:

CeGaT Center for Human Genetics Tuebingen
Classification: Likely benign. Last evaluated: 2026-04-01. Review status: criteria provided, single submitter. Criteria: CeGaT Center For Human Genetics Tuebingen Variant Classification Criteria Version 2. Collection method: clinical testing. Allele origin: germline. Affected: yes. Observed: 1 variant allele.
Comment: KCNK9: BP4, BP7

NM_001282534.2(KCNK9):c.528C>T (p.Ala176=)

Gene: KCNK9 (potassium two pore domain channel subfamily K member 9; minus strand). Cytogenetic location: 8q24.3.
Variant type: single nucleotide variant.
Coding change: c.528C>T on transcript NM_001282534.2 (MANE Select); coding-DNA position 528, C replaced by T.
Protein change: p.Ala176=; no amino-acid change (alanine 176 retained).
Molecular consequence: synonymous variant. On other transcripts: non-coding transcript variant (1).
Genome position (GRCh38, 1-based): chr8:139,618,855, G>A on the plus strand (C>T on the coding strand, the complement: KCNK9 is on the minus strand). VCF-style: chr8-139618855-G-A. GRCh37 (hg19) VCF-style: chr8-140631098-G-A.
Identifiers: ClinVar variation 4873824 (VCV004873824.2).